The following is an entry in ClinVar:

ClinVar aggregate classification (germline): Likely benign (1 of 4 stars; one submission).

Submission:

CeGaT Center for Human Genetics Tuebingen
Classification: Likely benign. Last evaluated: 2026-01-01. Review status: criteria provided, single submitter. Criteria: CeGaT Center For Human Genetics Tuebingen Variant Classification Criteria Version 2. Collection method: clinical testing. Allele origin: germline. Affected: yes. Observed: 1 variant allele.
Comment: KCNMA1: PM2:Supporting, BP4, BP7

NM_001161352.2(KCNMA1):c.57A>T (p.Gly19=)

Gene: KCNMA1 (potassium calcium-activated channel subfamily M alpha 1; minus strand). Cytogenetic location: 10q22.3.
Variant type: single nucleotide variant.
Coding change: c.57A>T on transcript NM_001161352.2 (MANE Select); coding-DNA position 57, A replaced by T.
Protein change: p.Gly19=; no amino-acid change (glycine 19 retained).
Molecular consequence: synonymous variant.
Genome position (GRCh38, 1-based): chr10:77,637,586, T>A on the plus strand (A>T on the coding strand, the complement: KCNMA1 is on the minus strand). VCF-style: chr10-77637586-T-A. GRCh37 (hg19) VCF-style: chr10-79397344-T-A.
Other names: c.57A>T, p.Gly19= (NM_001014797.3, NM_001161353.2, NM_001271518.2 and 15 more transcripts).
Identifiers: ClinVar variation 4823031 (VCV004823031.4).